The following is an entry in ClinVar:

ClinVar aggregate classification (germline): Uncertain significance (1 of 4 stars; one submission).

Submission:

Labcorp Genetics (formerly Invitae), Labcorp
Classification: Uncertain significance. Last evaluated: 2023-02-28. Review status: criteria provided, single submitter. Criteria: Invitae Variant Classification Sherloc (09022015). Collection method: clinical testing. Allele origin: germline.
Comment: Advanced modeling of protein sequence and biophysical properties (such as structural, functional, and spatial information, amino acid conservation, physicochemical variation, residue mobility, and thermodynamic stability) performed at Invitae indicates that this missense variant is not expected to disrupt SERPING1 protein function. This sequence change replaces histidine, which is basic and polar, with tyrosine, which is neutral and polar, at codon 365 of the SERPING1 protein (p.His365Tyr). This variant is not present in population databases (gnomAD no frequency). This variant has not been reported in the literature in individuals affected with SERPING1-related conditions. In summary, the available evidence is currently insufficient to determine the role of this variant in disease. Therefore, it has been classified as a Variant of Uncertain Significance.

NM_000062.3(SERPING1):c.1093C>T (p.His365Tyr)

Gene: SERPING1 (serpin family G member 1; plus strand). Cytogenetic location: 11q12.1.
Variant type: single nucleotide variant.
Coding change: c.1093C>T on transcript NM_000062.3 (MANE Select); coding-DNA position 1093, C replaced by T.
Protein change: p.His365Tyr; replaces histidine 365 with tyrosine.
Molecular consequence: missense variant.
Genome position (GRCh38, 1-based): chr11:57,611,780, C>T. VCF-style: chr11-57611780-C-T. GRCh37 (hg19) VCF-style: chr11-57379253-C-T.
Other names: c.1093C>T, p.His365Tyr (NM_001032295.2); short protein forms H365Y.
Identifiers: ClinVar variation 2840799 (VCV002840799.3), dbSNP rs2495452314, ClinGen allele CA380702651.
Genomic context (GRCh38, chr11:57,611,780, plus strand): 5'-GGGCAGCTGCAGCTCTCCCACAATCTGAGTTTGGTGATCCTGGTACCCCAGAACCTGAAA[C>T]ATCGTCTTGAAGACATGGAACAGGCTCTCAGCCCTTCTGTTTTCAAGGCCATCATGGAGA-3'
Protein context (NP_000053.2, residues 355-375): LVILVPQNLK[His365Tyr]RLEDMEQALS